The following is an entry in ClinVar:

ClinVar aggregate classification (germline): Uncertain significance (1 of 4 stars; one submission).

Allele frequency attached by ClinVar (database versions not stated): gnomAD exomes below 0.00001.
gnomAD v4.1: 2 of 1,614,114 alleles (0.00012%); highest among the groups gnomAD compares: Admixed American, 0.0033%; no homozygotes.

Submission:

Labcorp Genetics (formerly Invitae), Labcorp
Classification: Uncertain significance. Last evaluated: 2022-10-18. Review status: criteria provided, single submitter. Criteria: Invitae Variant Classification Sherloc (09022015). Collection method: clinical testing. Allele origin: germline.
Comment: This sequence change replaces leucine, which is neutral and non-polar, with arginine, which is basic and polar, at codon 85 of the CNGB1 protein (p.Leu85Arg). This variant is present in population databases (no rsID available, gnomAD 0.003%). This variant has not been reported in the literature in individuals affected with CNGB1-related conditions. ClinVar contains an entry for this variant (Variation ID: 1026509). Advanced modeling of protein sequence and biophysical properties (such as structural, functional, and spatial information, amino acid conservation, physicochemical variation, residue mobility, and thermodynamic stability) performed at Invitae indicates that this missense variant is not expected to disrupt CNGB1 protein function. In summary, the available evidence is currently insufficient to determine the role of this variant in disease. Therefore, it has been classified as a Variant of Uncertain Significance.

NM_001297.5(CNGB1):c.254T>G (p.Leu85Arg)

Gene: CNGB1 (cyclic nucleotide gated channel subunit beta 1; minus strand). Cytogenetic location: 16q21.
Variant type: single nucleotide variant.
Coding change: c.254T>G on transcript NM_001297.5 (MANE Select); coding-DNA position 254, T replaced by G.
Protein change: p.Leu85Arg; replaces leucine 85 with arginine.
Molecular consequence: missense variant.
Genome position (GRCh38, 1-based): chr16:57,964,166, A>C on the plus strand (T>G on the coding strand, the complement: CNGB1 is on the minus strand). VCF-style: chr16-57964166-A-C. GRCh37 (hg19) VCF-style: chr16-57998070-A-C.
Other names: c.254T>G, p.Leu85Arg (NM_001135639.2, NM_001286130.2); short protein forms L85R.
Identifiers: ClinVar variation 1026509 (VCV001026509.8), dbSNP rs1290411898, ClinGen allele CA396080112.
Genomic context (GRCh38, chr16:57,964,166, plus strand): 5'-AGAGAGGGGAGGGTGGTGCAGTACCTATTCATTTCAGAAATCTCAGCGCCCTGGGCCCGG[A>C]GGGATATGGTGGAAGTAAGGGCAGCCTCCTTGGTCTCTGGAAAAGAATCTCTCATCCTTC-3'
Protein context (NP_001288.3, residues 75-95): KEAALTSTIS[Leu85Arg]RAQGAEISEM